The following is an entry in ClinVar:

NM_001276345.2(TNNT2):c.781C>A (p.Gln261Lys)

Gene: TNNT2 (troponin T2, cardiac type; minus strand). Cytogenetic location: 1q32.1.
Variant type: single nucleotide variant.
Coding change: c.781C>A on transcript NM_001276345.2 (MANE Select); coding-DNA position 781, C replaced by A.
Protein change: p.Gln261Lys; replaces glutamine 261 with lysine.
Molecular consequence: missense variant.
Genome position (GRCh38, 1-based): chr1:201,361,308, G>T on the plus strand (C>A on the coding strand, the complement: TNNT2 is on the minus strand). VCF-style: chr1-201361308-G-T. GRCh37 (hg19) VCF-style: chr1-201330436-G-T.
Other names: p.Q251K:CAG>AAG; c.772C>A, p.Gln258Lys (NM_000364.4); c.751C>A, p.Gln251Lys (NM_001001430.3, NM_001276347.2); c.742C>A, p.Gln248Lys (NM_001001431.3); c.733C>A, p.Gln245Lys (NM_001001432.3); c.652C>A, p.Gln218Lys (NM_001276346.2); short protein forms Q251K, Q258K, Q218K, Q248K, Q261K, Q245K.
Identifiers: ClinVar variation 181631 (VCV000181631.2), dbSNP rs730881111, ClinGen allele CA005074.

ClinVar aggregate classification (germline): Uncertain significance (1 of 4 stars; one submission).

Submission:

GeneDx
Classification: Uncertain significance. Last evaluated: 2014-06-26. Review status: criteria provided, single submitter. Criteria: GeneDx Variant Classification (06012015). Collection method: clinical testing. Allele origin: germline. Affected: yes.
Comment: p.Gln251Lys (CAG>AAG): c.751 C>A in exon 14 of the TNNT2 gene (NM_001001430.1). Mutations in the TNNT2 gene have been reported in 5-15% of patients with autosomal dominant familial hypertrophic cardiomyopathy, often characterized by minimal left ventricular hypertrophy (LVH) but a high incidence of sudden cardiac death (Moolman J et al., 1997; Cirino A et al., 2011). Mutations in TNNT2 have been reported less frequently in association with autosomal dominant familial dilated cardiomyopathy (Hershberger R et al., 2009). The Q251K variant has not been published as a mutation, nor has it been reported as a benign polymorphism to our knowledge. The Q251K variant was not observed in approximately 6,500 individuals of European and African American ancestry in the NHLBI Exome Sequencing Project, indicating it is not a common benign variant in these populations. Missense mutations in nearby residues (E244D, K247R) have been reported in association with HCM, supporting the functional importance of this region of the protein. The Q251K variant is a semi-conservative amino acid substitution, which may impact secondary protein structure as these residues differ in some properties. This substitution occurs at a position that is conserved in mammals. However, in silico analysis is inconsistent in its predictions as to whether or not the variant is damaging to the protein structure/function. Therefore, based on the currently available information, it is unclear whether this variant is a pathogenic mutation or a rare benign variant. The variant is found in CARDIOMYOPATHY panel(s).